The following is an entry in ClinVar:

NM_172362.3(KCNH1):c.2134G>A (p.Asp712Asn)

Gene: KCNH1 (potassium voltage-gated channel subfamily H member 1; minus strand). Cytogenetic location: 1q32.2.
Variant type: single nucleotide variant.
Coding change: c.2134G>A on transcript NM_172362.3 (MANE Select); coding-DNA position 2134, G replaced by A.
Protein change: p.Asp712Asn; replaces aspartic acid 712 with asparagine.
Molecular consequence: missense variant.
Genome position (GRCh38, 1-based): chr1:210,684,117, C>T on the plus strand (G>A on the coding strand, the complement: KCNH1 is on the minus strand). VCF-style: chr1-210684117-C-T. GRCh37 (hg19) VCF-style: chr1-210857459-C-T.
Other names: c.2053G>A, p.Asp685Asn (NM_002238.4); short protein forms D685N, D712N.
Identifiers: ClinVar variation 2811416 (VCV002811416.5), dbSNP rs1243866804, ClinGen allele CA344871805.

ClinVar aggregate classification (germline): Uncertain significance. Review status: criteria provided, multiple submitters, no conflicts (2 of 4 stars). 2 submissions from 2 submitters: Uncertain significance (2). Last evaluated 2025-07-13.

Submissions (2):

Dasa
Classification: Uncertain significance. Last evaluated: 2025-07-13. Review status: criteria provided, single submitter. Criteria: DASA Assertion Criteria. Collection method: clinical testing. Allele origin: germline.
Comment: NM_172362.3(KCNH1):c.2134G>A (p.Asp712Asn) is a missense variant that results in the substitution of aspartic acid with asparagine. This variant is absent from population databases. The currently available literature and clinical evidence are not sufficient to establish a definitive association between this variant and the reported condition. Therefore, this variant is classified as a variant of uncertain significance.

Labcorp Genetics (formerly Invitae), Labcorp
Classification: Uncertain significance. Last evaluated: 2023-11-27. Review status: criteria provided, single submitter. Criteria: Invitae Variant Classification Sherloc (09022015). Collection method: clinical testing. Allele origin: germline.
Comment: This sequence change replaces aspartic acid, which is acidic and polar, with asparagine, which is neutral and polar, at codon 712 of the KCNH1 protein (p.Asp712Asn). This variant is not present in population databases (gnomAD no frequency). This variant has not been reported in the literature in individuals affected with KCNH1-related conditions. Advanced modeling of protein sequence and biophysical properties (such as structural, functional, and spatial information, amino acid conservation, physicochemical variation, residue mobility, and thermodynamic stability) performed at Invitae indicates that this missense variant is not expected to disrupt KCNH1 protein function with a negative predictive value of 95%. In summary, the available evidence is currently insufficient to determine the role of this variant in disease. Therefore, it has been classified as a Variant of Uncertain Significance.